The following is an entry in ClinVar:

NM_017514.5(PLXNA3):c.295C>G (p.Leu99Val)

Gene: PLXNA3 (plexin A3; plus strand). Cytogenetic location: Xq28.
Variant type: single nucleotide variant.
Coding change: c.295C>G on transcript NM_017514.5 (MANE Select); coding-DNA position 295, C replaced by G.
Protein change: p.Leu99Val; replaces leucine 99 with valine.
Molecular consequence: missense variant.
Genome position (GRCh38, 1-based): chrX:154,460,478, C>G. VCF-style: chrX-154460478-C-G. GRCh37 (hg19) VCF-style: chrX-153688818-C-G.
Other names: c.295C>G (NM_017514.3); short protein forms L99V.
Identifiers: ClinVar variation 3029439 (VCV003029439.3), dbSNP rs949147044, ClinGen allele CA337310482.

ClinVar aggregate classification (germline): Uncertain significance. Review status: criteria provided, single submitter (1 of 4 stars). 2 submissions from 2 submitters: Uncertain significance (1). 1 of the submissions does not count toward it. Last evaluated 2025-04-28.

Conditions:
PLXNA3-related disorder. Also called: PLXNA3-related condition.

Submissions (2):

Ambry Genetics
Classification: Uncertain significance. Last evaluated: 2025-04-28. Review status: criteria provided, single submitter. Criteria: Ambry Variant Classification Scheme 2023. Collection method: clinical testing. Allele origin: germline.

PreventionGenetics, part of Exact Sciences
Classification: Uncertain significance for PLXNA3-related condition. Last evaluated: 2023-11-14. Review status: no assertion criteria provided. Collection method: clinical testing. Allele origin: germline. Not counted in ClinVar's aggregate classification.
Comment: The PLXNA3 c.295C>G variant is predicted to result in the amino acid substitution p.Leu99Val. To our knowledge, this variant has not been reported in the literature. This variant is reported in 0.0013% of alleles in individuals of European (Non-Finnish) descent in gnomAD. At this time, the clinical significance of this variant is uncertain due to the absence of conclusive functional and genetic evidence.